The following is an entry in ClinVar:

ClinVar aggregate classification (germline): Uncertain significance (1 of 4 stars; one submission).

Conditions:
Arrhythmogenic cardiomyopathy with wooly hair and keratoderma. Also called: PALMOPLANTAR KERATODERMA WITH LEFT VENTRICULAR CARDIOMYOPATHY AND WOOLLY HAIR; Carvajal syndrome; Dilated cardiomyopathy with woolly hair and keratoderma; Arrhythmogenic cardiomyopathy with woolly hair and keratoderma. Identifiers: Orphanet 65282, MedGen C1854063, MONDO:0011581, OMIM 605676.
Arrhythmogenic right ventricular dysplasia 8 (ARVD8). Also called: Arrhythmogenic Right Ventricular Dysplasia/Cardiomyopathy 8; ARRHYTHMOGENIC RIGHT VENTRICULAR DYSPLASIA, FAMILIAL, 8; ARRHYTHMOGENIC RIGHT VENTRICULAR CARDIOMYOPATHY 8. Identifiers: MedGen C1843896, MONDO:0011831, OMIM 607450.

Submission:

Labcorp Genetics (formerly Invitae), Labcorp
Classification: Uncertain significance for Arrhythmogenic cardiomyopathy with wooly hair and keratoderma; Arrhythmogenic right ventricular dysplasia 8. Last evaluated: 2016-09-21. Review status: criteria provided, single submitter. Criteria: Invitae Variant Classification Sherloc (09022015). Collection method: clinical testing. Allele origin: germline.
Comment: In summary, this variant is a novel missense change that is not predicted to affect protein function. There is no indication that it causes disease, but the available evidence is currently insufficient to prove that conclusively. Therefore, it has been classified as a Variant of Uncertain Significance. Algorithms developed to predict the effect of missense changes on protein structure and function (SIFT, PolyPhen-2, Align-GVGD) all suggest that this variant is likely to be tolerated, but these predictions have not been confirmed by published functional studies. This variant is not present in population databases (ExAC no frequency) and has not been reported in the literature in individuals with a DSP-related disease. This sequence change replaces asparagine with tyrosine at codon 894 of the DSP protein (p.Asn894Tyr). The asparagine residue is moderately conserved and there is a large physicochemical difference between asparagine and tyrosine.

NM_004415.4(DSP):c.2680A>T (p.Asn894Tyr)

Gene: DSP (desmoplakin; plus strand). Cytogenetic location: 6p24.3.
Variant type: single nucleotide variant.
Coding change: c.2680A>T on transcript NM_004415.4 (MANE Select); coding-DNA position 2680, A replaced by T.
Protein change: p.Asn894Tyr; replaces asparagine 894 with tyrosine.
Molecular consequence: missense variant.
Genome position (GRCh38, 1-based): chr6:7,576,343, A>T. VCF-style: chr6-7576343-A-T. GRCh37 (hg19) VCF-style: chr6-7576576-A-T.
Other names: c.2680A>T (LRG_423t1); c.2680A>T, p.Asn894Tyr (NM_001008844.3, NM_001319034.2); short protein forms N894Y.
Identifiers: ClinVar variation 405240 (VCV000405240.12), dbSNP rs1060500614, ClinGen allele CA16611952.